The following is an entry in ClinVar:

NM_000391.4(TPP1):c.941_942del (p.Glu314fs)

Gene: TPP1 (tripeptidyl peptidase 1; minus strand). Cytogenetic location: 11p15.4.
Variant type: Deletion.
Coding change: c.941_942del on transcript NM_000391.4 (MANE Select); coding-DNA positions 941 to 942, 2 bases deleted (AG; older notation c.941_942delAG).
Protein change: p.Glu314fs; shifts the reading frame from glutamic acid 314.
Molecular consequence: frameshift variant.
Genome position (GRCh38, 1-based): chr11:6,616,448-6,616,449, CT deleted on the plus strand (AG on the coding strand, the reverse complement: TPP1 is on the minus strand); deleting any 2 consecutive bases within chr11:6,616,448-6,616,450 gives the same sequence; the c. name uses the placement nearest the transcript's 3' end. VCF-style (leftmost placement, unchanged base first): chr11-6616447-ACT-A. GRCh37 (hg19) VCF-style: chr11-6637678-ACT-A.
Other names: short protein forms E314fs.
Identifiers: ClinVar variation 861410 (VCV000861410.7), dbSNP rs1855587043, ClinGen allele CA916083234.

ClinVar aggregate classification (germline): Pathogenic (1 of 4 stars; one submission).

Submission:

Labcorp Genetics (formerly Invitae), Labcorp
Classification: Pathogenic. Last evaluated: 2019-03-18. Review status: criteria provided, single submitter. Criteria: Invitae Variant Classification Sherloc (09022015). Collection method: clinical testing. Allele origin: germline.
Comment: This variant has not been reported in the literature in individuals with TPP1-related conditions. This sequence change creates a premature translational stop signal (p.Glu314Valfs*14) in the TPP1 gene. It is expected to result in an absent or disrupted protein product. This variant is not present in population databases (ExAC no frequency). Loss-of-function variants in TPP1 are known to be pathogenic (PMID: 10330339). For these reasons, this variant has been classified as Pathogenic.

Literature cited by the submitters: PubMed 10330339.